The following is an entry in ClinVar:

ClinVar aggregate classification (germline): Likely benign (1 of 4 stars; one submission).

Allele frequency attached by ClinVar (database versions not stated): ExAC 0.00014; 1000 Genomes Project 0.00040.

Submission:

CeGaT Center for Human Genetics Tuebingen
Classification: Likely benign. Last evaluated: 2026-07-01. Review status: criteria provided, single submitter. Criteria: CeGaT Center For Human Genetics Tuebingen Variant Classification Criteria Version 2. Collection method: clinical testing. Allele origin: germline. Affected: yes. Observed: 4 variant alleles.
Comment: AHNAK2: BP4, BP7

NM_138420.4(AHNAK2):c.6183G>T (p.Val2061=)

Gene: AHNAK2 (AHNAK nucleoprotein 2; minus strand). Cytogenetic location: 14q32.33.
Variant type: single nucleotide variant.
Coding change: c.6183G>T on transcript NM_138420.4 (MANE Select); coding-DNA position 6183, G replaced by T.
Protein change: p.Val2061=; no amino-acid change (valine 2061 retained).
Molecular consequence: synonymous variant.
Genome position (GRCh38, 1-based): chr14:104,949,268, C>A on the plus strand (G>T on the coding strand, the complement: AHNAK2 is on the minus strand). VCF-style: chr14-104949268-C-A. GRCh37 (hg19) VCF-style: chr14-105415605-C-A.
Other names: c.5883G>T, p.Val1961= (NM_001350929.2).
Identifiers: ClinVar variation 2644747 (VCV002644747.24), dbSNP rs571010216, ClinGen allele CA7381290.